The following is an entry in ClinVar:

NM_016239.4(MYO15A):c.959C>G (p.Ser320Trp)

Gene: MYO15A (myosin XVA; plus strand). Cytogenetic location: 17p11.2.
Variant type: single nucleotide variant.
Coding change: c.959C>G on transcript NM_016239.4 (MANE Select); coding-DNA position 959, C replaced by G.
Protein change: p.Ser320Trp; replaces serine 320 with tryptophan.
Molecular consequence: missense variant.
Genome position (GRCh38, 1-based): chr17:18,119,759, C>G. VCF-style: chr17-18119759-C-G. GRCh37 (hg19) VCF-style: chr17-18023073-C-G.
Other names: c.959C>G (NM_016239.3); short protein forms S320W.
Identifiers: ClinVar variation 1647367 (VCV001647367.12), dbSNP rs200056157, ClinGen allele CA8422987.
Genomic context (GRCh38, chr17:18,119,759, plus strand): 5'-ATCCGGGGTACACCTACGGCTACGGCTACGACGATTACGAACCCCCATATGCGCCCCCGT[C>G]GGGGTACTCGTCTCCTTACAGCTACCACGATGGGTACGAGGGCGAGGCGCACCCTTATGG-3'
Protein context (NP_057323.3, residues 310-330): DDYEPPYAPP[Ser320Trp]GYSSPYSYHD

ClinVar aggregate classification (germline): Conflicting classifications of pathogenicity. Review status: criteria provided, conflicting classifications (1 of 4 stars). 3 submissions from 3 submitters: Uncertain significance (2); Likely benign (1). Last evaluated 2026-01-19.

Conditions:
Inborn genetic diseases. Identifiers: MedGen C0950123, MeSH D030342.

Allele frequency attached by ClinVar (database versions not stated): ExAC 0.00008; gnomAD exomes 0.00008; gnomAD 0.00011 and 0.00013; ESP Exome Variant Server 0.00025.

Submissions (3):

Labcorp Genetics (formerly Invitae), Labcorp
Classification: Likely benign. Last evaluated: 2026-01-19. Review status: criteria provided, single submitter. Criteria: Invitae Variant Classification Sherloc (09022015). Collection method: clinical testing. Allele origin: germline.

GeneDx
Classification: Uncertain significance. Last evaluated: 2025-05-15. Review status: criteria provided, single submitter. Criteria: GeneDx Variant Classification Process June 2021. Collection method: clinical testing. Allele origin: germline. Affected: yes.
Comment: In silico analysis suggests that this missense variant does not alter protein structure/function; Has not been previously published as pathogenic or benign to our knowledge

Ambry Genetics
Classification: Uncertain significance for Inborn genetic diseases. Last evaluated: 2024-12-10. Review status: criteria provided, single submitter. Criteria: Ambry Variant Classification Scheme 2023. Collection method: clinical testing. Allele origin: germline.